The following is an entry in ClinVar:

NM_002025.4(AFF2):c.1670C>A (p.Ser557Tyr)

Gene: AFF2 (ALF transcription elongation factor 2; plus strand). Cytogenetic location: Xq28.
Variant type: single nucleotide variant.
Coding change: c.1670C>A on transcript NM_002025.4 (MANE Select); coding-DNA position 1670, C replaced by A.
Protein change: p.Ser557Tyr; replaces serine 557 with tyrosine.
Molecular consequence: missense variant.
Genome position (GRCh38, 1-based): chrX:148,955,715, C>A. VCF-style: chrX-148955715-C-A. GRCh37 (hg19) VCF-style: chrX-148037245-C-A.
Other names: c.1571C>A, p.Ser524Tyr (NM_001169122.2); c.1640C>A, p.Ser547Tyr (NM_001169123.2); c.1565C>A, p.Ser522Tyr (NM_001169124.2); c.1553C>A, p.Ser518Tyr (NM_001169125.2); c.593C>A, p.Ser198Tyr (NM_001170628.1); short protein forms S198Y, S518Y, S522Y, S524Y, S547Y, S557Y.
Identifiers: ClinVar variation 4074420 (VCV004074420.1).

ClinVar aggregate classification (germline): Uncertain significance (1 of 4 stars; one submission).

gnomAD v4.1: 1 of 1,211,606 alleles (0.000083%); highest among the groups gnomAD compares: Non-Finnish European, 0.00011%; no homozygotes.

Submission:

GeneDx
Classification: Uncertain significance. Last evaluated: 2025-02-09. Review status: criteria provided, single submitter. Criteria: GeneDx Variant Classification Process June 2021. Collection method: clinical testing. Allele origin: germline. Affected: yes.
Comment: Not observed at significant frequency in large population cohorts (gnomAD); In silico analysis indicates that this missense variant does not alter protein structure/function; Has not been previously published as pathogenic or benign to our knowledge